The following is an entry in ClinVar:

ClinVar aggregate classification (germline): Uncertain significance. Review status: criteria provided, multiple submitters, no conflicts (2 of 4 stars). 2 submissions from 2 submitters: Uncertain significance (2). Last evaluated 2025-08-28.

Conditions:
Developmental and epileptic encephalopathy, 42 (DEE42A). Also called: Epileptic encephalopathy, early infantile, 42; DEVELOPMENTAL AND EPILEPTIC ENCEPHALOPATHY 42A; EPILEPTIC ENCEPHALOPATHY, EARLY INFANTILE, 42A. Identifiers: MedGen C4310716, MONDO:0014917, OMIM 617106.
Episodic ataxia type 2 (EA2). Also called: EPISODIC ATAXIA, NYSTAGMUS-ASSOCIATED; ACETAZOLAMIDE-RESPONSIVE HEREDITARY PAROXYSMAL CEREBELLAR ATAXIA; ATAXIA, EPISODIC, WITH NYSTAGMUS; ATAXIA, FAMILIAL PAROXYSMAL; CEREBELLAR ATAXIA, PAROXYSMAL, ACETAZOLAMIDE-RESPONSIVE; CEREBELLOPATHY, HEREDITARY PAROXYSMAL. Identifiers: Orphanet 97, MedGen C1720416, MONDO:0007163, OMIM 108500.
Inborn genetic diseases. Identifiers: MedGen C0950123, MeSH D030342.

Submissions (2):

Ambry Genetics
Classification: Uncertain significance for Inborn genetic diseases. Last evaluated: 2025-08-28. Review status: criteria provided, single submitter. Criteria: Ambry Variant Classification Scheme 2023. Collection method: clinical testing. Allele origin: germline.

Labcorp Genetics (formerly Invitae), Labcorp
Classification: Uncertain significance for Developmental and epileptic encephalopathy, 42; Episodic ataxia type 2. Last evaluated: 2021-11-18. Review status: criteria provided, single submitter. Criteria: Invitae Variant Classification Sherloc (09022015). Collection method: clinical testing. Allele origin: germline.
Comment: In summary, the available evidence is currently insufficient to determine the role of this variant in disease. Therefore, it has been classified as a Variant of Uncertain Significance. Algorithms developed to predict the effect of missense changes on protein structure and function are either unavailable or do not agree on the potential impact of this missense change (SIFT: "Deleterious"; PolyPhen-2: "Probably Damaging"; Align-GVGD: "Class C0"). This variant has not been reported in the literature in individuals affected with CACNA1A-related conditions. This variant is not present in population databases (gnomAD no frequency). This sequence change replaces threonine, which is neutral and polar, with alanine, which is neutral and non-polar, at codon 127 of the CACNA1A protein (p.Thr127Ala).

NM_001127222.2(CACNA1A):c.379A>G (p.Thr127Ala)

Gene: CACNA1A (calcium voltage-gated channel subunit alpha1 A; minus strand). Cytogenetic location: 19p13.13.
Variant type: single nucleotide variant.
Coding change: c.379A>G on transcript NM_001127222.2 (MANE Select); coding-DNA position 379, A replaced by G.
Protein change: p.Thr127Ala; replaces threonine 127 with alanine.
Molecular consequence: missense variant.
Genome position (GRCh38, 1-based): chr19:13,455,127, T>C on the plus strand (A>G on the coding strand, the complement: CACNA1A is on the minus strand). VCF-style: chr19-13455127-T-C. GRCh37 (hg19) VCF-style: chr19-13565941-T-C.
Other names: c.379A>G (NM_001127221.1); c.379A>G, p.Thr127Ala (NM_000068.4, NM_001127221.2, NM_001174080.2 and 1 more transcripts); short protein forms T127A.
Identifiers: ClinVar variation 1393831 (VCV001393831.7), dbSNP rs2144947148, ClinGen allele CA404967779.